The following is an entry in ClinVar:

ClinVar aggregate classification (germline): Uncertain significance (1 of 4 stars; one submission).

Submission:

Ambry Genetics
Classification: Uncertain significance. Last evaluated: 2024-03-09. Review status: criteria provided, single submitter. Criteria: Ambry Variant Classification Scheme 2023. Collection method: clinical testing. Allele origin: germline.
Comment: The p.A622V variant (also known as c.1865C>T), located in coding exon 17 of the PRKDC gene, results from a C to T substitution at nucleotide position 1865. The alanine at codon 622 is replaced by valine, an amino acid with similar properties. This amino acid position is conserved. In addition, the in silico prediction for this alteration is inconclusive. Based on the available evidence, the clinical significance of this alteration remains unclear.

NM_006904.7(PRKDC):c.1865C>T (p.Ala622Val)

Gene: PRKDC (protein kinase, DNA-activated, catalytic subunit; minus strand). Cytogenetic location: 8q11.21.
Variant type: single nucleotide variant.
Coding change: c.1865C>T on transcript NM_006904.7 (MANE Select); coding-DNA position 1865, C replaced by T.
Protein change: p.Ala622Val; replaces alanine 622 with valine.
Molecular consequence: missense variant.
Genome position (GRCh38, 1-based): chr8:47,930,699, G>A on the plus strand (C>T on the coding strand, the complement: PRKDC is on the minus strand). VCF-style: chr8-47930699-G-A. GRCh37 (hg19) VCF-style: chr8-48843259-G-A.
Other names: c.1865C>T, p.Ala622Val (NM_001081640.2); short protein forms A622V.
Identifiers: ClinVar variation 3225765 (VCV003225765.1), dbSNP rs2551878759, ClinGen allele CA371164676.